The following is an entry in ClinVar:

NM_000530.8(MPZ):c.278G>A (p.Gly93Glu)

Gene: MPZ (myelin protein zero; minus strand). Cytogenetic location: 1q23.3.
Variant type: single nucleotide variant.
Coding change: c.278G>A on transcript NM_000530.8 (MANE Select); coding-DNA position 278, G replaced by A.
Protein change: p.Gly93Glu; replaces glycine 93 with glutamic acid.
Molecular consequence: missense variant.
Genome position (GRCh38, 1-based): chr1:161,306,878, C>T on the plus strand (G>A on the coding strand, the complement: MPZ is on the minus strand). VCF-style: chr1-161306878-C-T. GRCh37 (hg19) VCF-style: chr1-161276668-C-T.
Other names: c.278G>A (LRG_256t1, NM_000530.7); c.278G>A, p.Gly93Glu (NM_001315491.2); short protein forms G93E.
Identifiers: ClinVar variation 411666 (VCV000411666.15), dbSNP rs1060503418, ClinGen allele CA16609893.

ClinVar aggregate classification (germline): Pathogenic/Likely pathogenic. Review status: criteria provided, multiple submitters, no conflicts (2 of 4 stars). 6 submissions from 6 submitters: Pathogenic (1); Likely pathogenic (3). 2 of the submissions do not count toward it. Last evaluated 2025-05-18.

Conditions:
MPZ-related disorder. Also called: MPZ-related disorders; MPZ-related condition.
Charcot-Marie-Tooth disease. Also called: Charcot-Marie-Tooth Neuropathy; Charcot-Marie-Tooth Hereditary Neuropathy. Identifiers: Orphanet 166, MedGen C0007959, MONDO:0015626.
Inborn genetic diseases. Identifiers: MedGen C0950123, MeSH D030342.
Charcot-Marie-Tooth disease, type I (CMT1). Also called: Charcot-Marie-Tooth, Type 1; Charcot-Marie-Tooth disease type 1. Identifiers: Orphanet 65753, MedGen C0751036, MONDO:0019011.

Submissions (6):

Labcorp Genetics (formerly Invitae), Labcorp
Classification: Pathogenic for Charcot-Marie-Tooth disease, type I. Last evaluated: 2025-05-18. Review status: criteria provided, single submitter. Criteria: Invitae Variant Classification Sherloc (09022015). Collection method: clinical testing. Allele origin: germline.
Comment: This sequence change replaces glycine, which is neutral and non-polar, with glutamic acid, which is acidic and polar, at codon 93 of the MPZ protein (p.Gly93Glu). This variant is not present in population databases (gnomAD no frequency). This missense change has been observed in individuals with clinical features of Charcot-Marie-Tooth disease (PMID: 9217235, 33179255; internal data). Invitae Evidence Modeling of clinical and family history, age, sex, and reported ancestry of multiple individuals with this MPZ variant has been performed. This variant is expected to be pathogenic with a positive predictive value of at least 99%. This is a validated machine learning model that incorporates the clinical features of 13,236 individuals referred to our laboratory for MPZ testing. ClinVar contains an entry for this variant (Variation ID: 411666). Invitae Evidence Modeling of protein sequence and biophysical properties (such as structural, functional, and spatial information, amino acid conservation, physicochemical variation, residue mobility, and thermodynamic stability) indicates that this missense variant is not expected to disrupt MPZ protein function with a negative predictive value of 80%. This variant disrupts the p.Gly93 amino acid residue in MPZ. Other variant(s) that disrupt this residue have been determined to be pathogenic (internal data). This suggests that this residue is clinically significant, and that variants that disrupt this residue are likely to be disease-causing. For these reasons, this variant has been classified as Pathogenic.

PreventionGenetics, part of Exact Sciences
Classification: Likely pathogenic for MPZ-related condition. Last evaluated: 2025-02-12. Review status: criteria provided, single submitter. Criteria: ACMG Guidelines, 2015. Collection method: clinical testing. Allele origin: germline.
Comment: The MPZ c.278G>A variant is predicted to result in the amino acid substitution p.Gly93Glu. This variant has been reported in two individuals from a kindred with Charcot-Marie-Tooth disease in which many other affected members were not genetically tested (Ikegami et al. 1997. PubMed ID: 9217235) and in a cohort study of Charot-Marie-Tooth disease (Taniguchi et al. 2020. PubMed ID: 33179255). Alternate substitutions of this amino acid (p.Gly93Ala and p.Gly93Arg) have also been reported in individuals with Charcot-Marie-Tooth disease (Abe et al. 2011. PubMed ID: 21326314; Table S1, Fridman et al. 2023. PubMed ID: 36203352). This variant is absent in a large population database (gnomAD), indicating this variant is rare. This variant is interpreted as likely pathogenic for autosomal dominant disease.

GeneDx
Classification: Likely pathogenic. Last evaluated: 2023-08-28. Review status: criteria provided, single submitter. Criteria: GeneDx Variant Classification Process June 2021. Collection method: clinical testing. Allele origin: germline. Affected: yes.
Comment: Identified in two family members with Charcot-Marie-Tooth disease type 1B in published literature (Ikegami et al., 1997); Not observed at significant frequency in large population cohorts (gnomAD); In silico analysis supports that this missense variant has a deleterious effect on protein structure/function; Missense variants in this gene are often considered pathogenic (HGMD); This variant is associated with the following publications: (PMID: 26135405, 9217235, 12402337, 26310628, 20461396, 33179255)

Athena Diagnostics
Classification: Likely pathogenic. Last evaluated: 2022-08-15. Review status: criteria provided, single submitter. Criteria: Athena Diagnostics Criteria. Collection method: clinical testing. Allele origin: unknown.
Comment: This variant has not been reported in large, multi-ethnic general populations. This variant has been identified in at least one individual with clinical features associated with Charcot-Marie-Tooth disease. Computational tools predict that this variant is damaging. The variant is located in a region that is considered important for protein function and/or structure.

Ambry Genetics
Classification: Uncertain significance for Inborn genetic diseases. Last evaluated: 2020-07-10. Review status: flagged submission. Criteria: Ambry Variant Classification Scheme 2023. Collection method: clinical testing. Allele origin: germline. Not counted in ClinVar's aggregate classification.
Comment: The p.G93E variant (also known as c.278G>A), located in coding exon 3 of the MPZ gene, results from a G to A substitution at nucleotide position 278. The glycine at codon 93 is replaced by glutamic acid, an amino acid with similar properties. This variant has been identified in multiple individuals with Charcot-Marie-Tooth disease; however, clinical details are limited (Hattori N et al. Brain, 2003 Jan;126:134-51; Numakura C et al. Hum. Mutat., 2002 Nov;20:392-8; Ikegami T et al. Am. J. Med. Genet., 1997 Aug;71:246-8). This amino acid position is well conserved in available vertebrate species. In addition, the in silico prediction for this alteration is inconclusive. Since supporting evidence is limited at this time, the clinical significance of this alteration remains unclear.
ClinVar note: Reason: Outlier claim with insufficient supporting evidence

Inherited Neuropathy Consortium
Classification: Uncertain significance for Charcot-Marie-Tooth disease. Review status: flagged submission. Collection method: literature only. Allele origin: germline. Affected: yes. Not counted in ClinVar's aggregate classification.
ClinVar note: Reason: Claim with insufficient supporting evidence

Literature cited by the submitters: PubMed 9217235 (cited by 4 submitters); PubMed 33179255 (cited by Labcorp Genetics (formerly Invitae), Labcorp and Athena Diagnostics); PubMed 12477701 (cited by Athena Diagnostics and Ambry Genetics); PubMed 12402337 (cited by Ambry Genetics).